The following is an entry in ClinVar:

ClinVar aggregate classification (germline): Likely benign. Review status: criteria provided, multiple submitters, no conflicts (2 of 4 stars). 2 submissions from 2 submitters: Likely benign (2). Last evaluated 2025-09-07.

Conditions:
Emery-Dreifuss muscular dystrophy 4, autosomal dominant (EDMD4). Also called: EMERY-DREIFUSS MUSCULAR DYSTROPHY 4 WITH VARIABLE FEATURES. Identifiers: Orphanet 261, MedGen C2751807, MONDO:0013071, OMIM 612998.
Autosomal recessive ataxia, Beauce type. Also called: ATAXIA, RECESSIVE, OF BEAUCE; SYNE1-Related Autosomal Recessive Cerebellar Ataxia; Spinocerebellar ataxia, autosomal recessive 8; SYNE1 Deficiency. Identifiers: Orphanet 88644, MedGen C1853116, MONDO:0012549, OMIM 610743.

Allele frequency attached by ClinVar (database versions not stated): gnomAD exomes below 0.00001; ExAC 0.00001.
gnomAD v4.1: 5 of 1,614,026 alleles (0.00031%); highest among the groups gnomAD compares: Admixed American, 0.0017%; no homozygotes.

Submissions (2):

Labcorp Genetics (formerly Invitae), Labcorp
Classification: Likely benign for Emery-Dreifuss muscular dystrophy 4, autosomal dominant; Autosomal recessive ataxia, Beauce type. Last evaluated: 2025-09-07. Review status: criteria provided, single submitter. Criteria: Invitae Variant Classification Sherloc (09022015). Collection method: clinical testing. Allele origin: germline.

GeneDx
Classification: Likely benign. Last evaluated: 2016-08-31. Review status: criteria provided, single submitter. Criteria: GeneDx Variant Classification (06012015). Collection method: clinical testing. Allele origin: germline. Affected: yes.
Comment: This variant is considered likely benign or benign based on one or more of the following criteria: it is a conservative change, it occurs at a poorly conserved position in the protein, it is predicted to be benign by multiple in silico algorithms, and/or has population frequency not consistent with disease.

NM_182961.4(SYNE1):c.21591A>G (p.Leu7197=)

Genes: SYNE1 (spectrin repeat containing nuclear envelope protein 1; minus strand), LOC126859836 (MED14-independent group 3 enhancer GRCh37_chr6:152542272-152543471; plus strand). Cytogenetic location: 6q25.2.
Variant type: single nucleotide variant.
Coding change: c.21591A>G on transcript NM_182961.4 (MANE Select); coding-DNA position 21591, A replaced by G.
Protein change: p.Leu7197=; no amino-acid change (leucine 7197 retained).
Molecular consequence: synonymous variant.
Genome position (GRCh38, 1-based): chr6:152,221,491, T>C on the plus strand (A>G on the coding strand, the complement: SYNE1 is on the minus strand). VCF-style: chr6-152221491-T-C. GRCh37 (hg19) VCF-style: chr6-152542626-T-C.
Other names: c.21378A>G, p.Leu7126= (NM_033071.5).
Identifiers: ClinVar variation 388782 (VCV000388782.2), dbSNP rs756198608, ClinGen allele CA4054104.